The following is an entry in ClinVar:

ClinVar aggregate classification (germline): Uncertain significance. Review status: criteria provided, multiple submitters, no conflicts (2 of 4 stars). 2 submissions from 2 submitters: Uncertain significance (2). Last evaluated 2025-12-30.

Conditions:
Congenital dyserythropoietic anemia, type I. Also called: Dyserythropoietic anemia, congenital type 1. Identifiers: Orphanet 98869, MedGen C0271933, MONDO:0020337. Disease mechanism: loss of function.

Allele frequency attached by ClinVar (database versions not stated): gnomAD 0.00001; gnomAD exomes 0.00003 and 0.00009; TOPMed 0.00004; ExAC 0.00007.

Submissions (2):

Labcorp Genetics (formerly Invitae), Labcorp
Classification: Uncertain significance. Last evaluated: 2025-12-30. Review status: criteria provided, single submitter. Criteria: Invitae Variant Classification Sherloc (09022015). Collection method: clinical testing. Allele origin: germline.
Comment: This sequence change replaces arginine, which is basic and polar, with cysteine, which is neutral and slightly polar, at codon 863 of the CDAN1 protein (p.Arg863Cys). This variant is present in population databases (rs768892869, gnomAD 0.05%). This variant has not been reported in the literature in individuals affected with CDAN1-related conditions. ClinVar contains an entry for this variant (Variation ID: 888273). An algorithm developed to predict the effect of missense changes on protein structure and function (PolyPhen-2) suggests that this variant is likely to be disruptive. In summary, the available evidence is currently insufficient to determine the role of this variant in disease. Therefore, it has been classified as a Variant of Uncertain Significance.

Illumina Laboratory Services, Illumina
Classification: Uncertain significance for Anemia, congenital dyserythropoietic, type 1a. Last evaluated: 2018-01-12. Review status: criteria provided, single submitter. Criteria: ICSL Variant Classification Criteria 13 December 2019. Collection method: clinical testing. Allele origin: germline.

NM_138477.4(CDAN1):c.2587C>T (p.Arg863Cys)

Gene: CDAN1 (codanin 1; minus strand). Cytogenetic location: 15q15.2.
Variant type: single nucleotide variant.
Coding change: c.2587C>T on transcript NM_138477.4 (MANE Select); coding-DNA position 2587, C replaced by T.
Protein change: p.Arg863Cys; replaces arginine 863 with cysteine.
Molecular consequence: missense variant.
Genome position (GRCh38, 1-based): chr15:42,729,081, G>A on the plus strand (C>T on the coding strand, the complement: CDAN1 is on the minus strand). VCF-style: chr15-42729081-G-A. GRCh37 (hg19) VCF-style: chr15-43021279-G-A.
Other names: short protein forms R863C.
Identifiers: ClinVar variation 888273 (VCV000888273.5), dbSNP rs768892869, ClinGen allele CA7515566.